The following is an entry in ClinVar:

NM_020765.3(UBR4):c.8404C>G (p.Pro2802Ala)

Gene: UBR4 (ubiquitin protein ligase E3 component n-recognin 4; minus strand). Cytogenetic location: 1p36.13.
Variant type: single nucleotide variant.
Coding change: c.8404C>G on transcript NM_020765.3 (MANE Select); coding-DNA position 8404, C replaced by G.
Protein change: p.Pro2802Ala; replaces proline 2802 with alanine.
Molecular consequence: missense variant.
Genome position (GRCh38, 1-based): chr1:19,141,431, G>C on the plus strand (C>G on the coding strand, the complement: UBR4 is on the minus strand). VCF-style: chr1-19141431-G-C. GRCh37 (hg19) VCF-style: chr1-19467925-G-C.
Other names: short protein forms P2802A.
Identifiers: ClinVar variation 2466301 (VCV002466301.4), dbSNP rs776903531, ClinGen allele CA649749.

ClinVar aggregate classification (germline): Uncertain significance. Review status: criteria provided, single submitter (1 of 4 stars). 2 submissions from 2 submitters: Uncertain significance (1). 1 of the submissions does not count toward it. Last evaluated 2023-01-17.

Conditions:
UBR4-related disorder. Also called: UBR4-related condition.

Allele frequency attached by ClinVar (database versions not stated): ExAC 0.00001.
gnomAD v4.1: 23 of 1,614,118 alleles (0.0014%); highest among the groups gnomAD compares: Middle Eastern, 0.016%; no homozygotes.

Submissions (2):

Ambry Genetics
Classification: Uncertain significance. Last evaluated: 2023-01-17. Review status: criteria provided, single submitter. Criteria: Ambry Variant Classification Scheme 2023. Collection method: clinical testing. Allele origin: germline.

PreventionGenetics, part of Exact Sciences
Classification: Uncertain significance for UBR4-related condition. Last evaluated: 2024-01-04. Review status: no assertion criteria provided. Collection method: clinical testing. Allele origin: germline. Not counted in ClinVar's aggregate classification.
Comment: The UBR4 c.8404C>G variant is predicted to result in the amino acid substitution p.Pro2802Ala. To our knowledge, this variant has not been reported in the literature. This variant is reported in 0.0016% of alleles in individuals of European (Non-Finnish) descent in gnomAD. At this time, the clinical significance of this variant is uncertain due to the absence of conclusive functional and genetic evidence.